The following is an entry in ClinVar:

ClinVar aggregate classification (germline): Benign/Likely benign. Review status: criteria provided, multiple submitters, no conflicts (2 of 4 stars). 6 submissions from 6 submitters: Benign (1); Likely benign (3). 2 of the submissions do not count toward it. Last evaluated 2026-02-02.

Conditions:
CYP27A1-related disorder. Also called: CYP27A1-related condition.
Cardiovascular phenotype. Identifiers: MedGen CN230736.
Cholestanol storage disease (CTX). Also called: CTX: Cerebrotendinous xanthomatosis; CEREBRAL CHOLESTERINOSIS; Cerebrotendinous Xanthomatosis. Identifiers: Orphanet 909, MedGen C0238052, MONDO:0008948, OMIM 213700.

Allele frequency attached by ClinVar (database versions not stated): gnomAD exomes 0.00019; ExAC 0.00024; ESP Exome Variant Server 0.00062; gnomAD 0.00090 and 0.00093; TOPMed 0.00104; 1000 Genomes Project 0.00160; 1000 Genomes Project 30x 0.00219.
gnomAD v4.1: 237 of 1,614,250 alleles (0.015%); highest among the groups gnomAD compares: African/African-American, 0.25%; 1 homozygote.

Submissions (6):

Labcorp Genetics (formerly Invitae), Labcorp
Classification: Benign for Cholestanol storage disease. Last evaluated: 2026-02-02. Review status: criteria provided, single submitter. Criteria: Invitae Variant Classification Sherloc (09022015). Collection method: clinical testing. Allele origin: germline.

PreventionGenetics, part of Exact Sciences
Classification: Likely benign for CYP27A1-related condition. Last evaluated: 2024-12-28. Review status: criteria provided, single submitter. Criteria: ACMG Guidelines, 2015. Collection method: clinical testing. Allele origin: germline.
Comment: This variant is classified as likely benign based on ACMG/AMP sequence variant interpretation guidelines (Richards et al. 2015 PMID: 25741868, with internal and published modifications).

Blueprint Genetics
Classification: Likely benign. Last evaluated: 2024-09-13. Review status: criteria provided, single submitter. Criteria: ACMG Guidelines, 2015. Collection method: clinical testing. Allele origin: germline.

Ambry Genetics
Classification: Likely benign for Cardiovascular phenotype. Last evaluated: 2019-08-01. Review status: criteria provided, single submitter. Criteria: Ambry Variant Classification Scheme 2023. Collection method: clinical testing. Allele origin: germline.

Clinical Genetics DNA and cytogenetics Diagnostics Lab, Erasmus MC, Erasmus Medical Center
Classification: Likely benign. Review status: no assertion criteria provided. Collection method: clinical testing. Allele origin: germline. Affected: yes. Study: VKGL Data-share Consensus. Not counted in ClinVar's aggregate classification.

Clinical Genetics, Academic Medical Center
Classification: Likely benign. Review status: no assertion criteria provided. Collection method: clinical testing. Allele origin: germline. Affected: yes. Study: VKGL Data-share Consensus. Not counted in ClinVar's aggregate classification.

NM_000784.4(CYP27A1):c.1104G>A (p.Val368=)

Gene: CYP27A1 (cytochrome P450 family 27 subfamily A member 1; plus strand). Cytogenetic location: 2q35.
Variant type: single nucleotide variant.
Coding change: c.1104G>A on transcript NM_000784.4 (MANE Select); coding-DNA position 1104, G replaced by A.
Protein change: p.Val368=; no amino-acid change (valine 368 retained).
Molecular consequence: synonymous variant.
Genome position (GRCh38, 1-based): chr2:218,814,107, G>A. VCF-style: chr2-218814107-G-A. GRCh37 (hg19) VCF-style: chr2-219678830-G-A.
Identifiers: ClinVar variation 785766 (VCV000785766.17), dbSNP rs151064520, ClinGen allele CA2112802.